The following is an entry in ClinVar:

NM_018480.7(TMEM126B):c.421_422del (p.Val141fs)

Gene: TMEM126B (transmembrane protein 126B; plus strand). Cytogenetic location: 11q14.1.
Variant type: Microsatellite.
Coding change: c.421_422del on transcript NM_018480.7 (MANE Select); coding-DNA positions 421 to 422, 2 bases deleted (GT; older notation c.421_422delGT).
Protein change: p.Val141fs; shifts the reading frame from valine 141.
Molecular consequence: frameshift variant. On other transcripts: non-coding transcript variant (2).
Genome position (GRCh38, 1-based): chr11:85,635,690-85,635,691, GT deleted; deleting any 2 consecutive bases within chr11:85,635,687-85,635,691 gives the same sequence; the c. name uses the placement nearest the transcript's 3' end. VCF-style (leftmost placement, unchanged base first): chr11-85635686-CTG-C. GRCh37 (hg19) VCF-style: chr11-85346730-CTG-C.
Other names: c.361_362del, p.Val121fs (NM_001193537.3); c.331_332del, p.Val111fs (NM_001193538.3, NM_001256546.2); c.283_284del, p.Val95fs (NM_001256547.2); c.196_197del, p.Val66fs (NM_001350393.1); short protein forms V111fs, V121fs, V141fs, V66fs, V95fs.
Identifiers: ClinVar variation 1339485 (VCV001339485.8), dbSNP rs747181703, ClinGen allele CA6212511.

ClinVar aggregate classification (germline): Pathogenic/Likely pathogenic. Review status: criteria provided, multiple submitters, no conflicts (2 of 4 stars). 2 submissions from 2 submitters: Pathogenic (1); Likely pathogenic (1). Last evaluated 2022-05-06.

Conditions:
Mitochondrial complex I deficiency, nuclear type 29. Also called: Mitochondrial complex 1 deficiency, nuclear type 29. Identifiers: MedGen C4748830, MONDO:0032633, OMIM 618250.

Submissions (2):

Labcorp Genetics (formerly Invitae), Labcorp
Classification: Pathogenic. Last evaluated: 2022-05-06. Review status: criteria provided, single submitter. Criteria: Invitae Variant Classification Sherloc (09022015). Collection method: clinical testing. Allele origin: germline.
Comment: For these reasons, this variant has been classified as Pathogenic. This variant disrupts a region of the TMEM126B protein in which other variant(s) (p.Gly212Val) have been determined to be pathogenic (PMID: 27374773, 27374774, 29093663). This suggests that this is a clinically significant region of the protein, and that variants that disrupt it are likely to be disease-causing. This variant has not been reported in the literature in individuals affected with TMEM126B-related conditions. This variant is present in population databases (rs747181703, gnomAD 0.005%). This sequence change creates a premature translational stop signal (p.Val141Phefs*22) in the TMEM126B gene. While this is not anticipated to result in nonsense mediated decay, it is expected to disrupt the last 90 amino acid(s) of the TMEM126B protein.

Dasa
Classification: Likely pathogenic for Mitochondrial complex I deficiency, nuclear type 29. Last evaluated: 2022-02-05. Review status: criteria provided, single submitter. Criteria: ACMG Guidelines, 2015. Collection method: clinical testing. Allele origin: germline. Affected: yes. Observed: 1 variant allele.
Comment: The c.421_422del;p.(Val141Phefs*22) is a null frameshift variant (NMD) in the TMEM126B gene and predicts alteration of the nonsense-mediate decay - NMD is present in a relevant exon to the transcript - PVS1_strong. This variant is not present in population databases (rs747181703, gnomAD; ABraOM no frequency) - PM2. In summary, the currently available evidence indicates that the variant is likely pathogenic.

Literature cited by the submitters: PubMed 27374773 (cited by Labcorp Genetics (formerly Invitae), Labcorp); PubMed 27374774 (cited by Labcorp Genetics (formerly Invitae), Labcorp); PubMed 29093663 (cited by Labcorp Genetics (formerly Invitae), Labcorp).